The following is an entry in ClinVar:

NM_019594.4(LRRC8A):c.1063T>A (p.Ser355Thr)

Gene: LRRC8A (leucine rich repeat containing 8 VRAC subunit A; plus strand). Cytogenetic location: 9q34.11.
Variant type: single nucleotide variant.
Coding change: c.1063T>A on transcript NM_019594.4 (MANE Select); coding-DNA position 1063, T replaced by A.
Protein change: p.Ser355Thr; replaces serine 355 with threonine.
Molecular consequence: missense variant.
Genome position (GRCh38, 1-based): chr9:128,908,227, T>A. VCF-style: chr9-128908227-T-A. GRCh37 (hg19) VCF-style: chr9-131670506-T-A.
Other names: c.1063T>A, p.Ser355Thr (NM_001127244.2, NM_001127245.2); short protein forms S355T.
Identifiers: ClinVar variation 2417368 (VCV002417368.5), dbSNP rs372596695, ClinGen allele CA5270829.
Genomic context (GRCh38, chr9:128,908,227, plus strand): 5'-ATCTGCATGTATACACTGTGGTGGATGCTACGGCGCTCCCTCAAGAAGTACTCGTTTGAG[T>A]CGATCCGTGAGGAGAGCAGCTACAGCGACATCCCCGACGTCAAGAACGACTTCGCCTTCA-3'
Protein context (NP_062540.2, residues 345-365): RRSLKKYSFE[Ser355Thr]IREESSYSDI

ClinVar aggregate classification (germline): Uncertain significance (1 of 4 stars; one submission).

Allele frequency attached by ClinVar (database versions not stated): ExAC 0.00001; gnomAD 0.00001; TOPMed 0.00002; ESP Exome Variant Server 0.00008.
gnomAD v4.1: 2 of 1,613,806 alleles (0.00012%); highest among the groups gnomAD compares: Non-Finnish European, 0.00017%; no homozygotes.

Submission:

Labcorp Genetics (formerly Invitae), Labcorp
Classification: Uncertain significance. Last evaluated: 2023-05-29. Review status: criteria provided, single submitter. Criteria: Invitae Variant Classification Sherloc (09022015). Collection method: clinical testing. Allele origin: germline.
Comment: In summary, the available evidence is currently insufficient to determine the role of this variant in disease. Therefore, it has been classified as a Variant of Uncertain Significance. An algorithm developed to predict the effect of missense changes on protein structure and function (PolyPhen-2) suggests that this variant is likely to be tolerated. ClinVar contains an entry for this variant (Variation ID: 2417368). This variant has not been reported in the literature in individuals affected with LRRC8A-related conditions. This variant is present in population databases (rs372596695, gnomAD 0.0009%). This sequence change replaces serine, which is neutral and polar, with threonine, which is neutral and polar, at codon 355 of the LRRC8A protein (p.Ser355Thr).